The following is an entry in ClinVar:

ClinVar aggregate classification (germline): Uncertain significance (1 of 4 stars; one submission).

Conditions:
Charcot-Marie-Tooth disease axonal type 2L. Also called: Charcot-Marie-Tooth Neuropathy Type 2L; CHARCOT-MARIE-TOOTH DISEASE, AXONAL, AUTOSOMAL DOMINANT, TYPE 2L; CHARCOT-MARIE-TOOTH NEUROPATHY, AXONAL, TYPE 2L. Identifiers: Orphanet 99945, MedGen C1837552, MONDO:0012096, OMIM 608673.

Allele frequency attached by ClinVar (database versions not stated): gnomAD exomes below 0.00001 and 0.00001; ExAC 0.00002; gnomAD 0.00002; TOPMed 0.00004.

Submission:

Labcorp Genetics (formerly Invitae), Labcorp
Classification: Uncertain significance for Charcot-Marie-Tooth disease axonal type 2L. Last evaluated: 2023-11-17. Review status: criteria provided, single submitter. Criteria: Invitae Variant Classification Sherloc (09022015). Collection method: clinical testing. Allele origin: germline.
Comment: This sequence change replaces arginine, which is basic and polar, with glutamine, which is neutral and polar, at codon 22 of the HSPB8 protein (p.Arg22Gln). This variant is present in population databases (rs747381453, gnomAD 0.002%). This missense change has been observed in individual(s) with Charcot-Marie-Tooth disease (PMID: 32376792). ClinVar contains an entry for this variant (Variation ID: 581856). An algorithm developed to predict the effect of missense changes on protein structure and function (PolyPhen-2) suggests that this variant is likely to be disruptive. In summary, the available evidence is currently insufficient to determine the role of this variant in disease. Therefore, it has been classified as a Variant of Uncertain Significance.

Literature cited by the submitters: PubMed 32376792.

NM_014365.3(HSPB8):c.65G>A (p.Arg22Gln)

Gene: HSPB8 (heat shock protein family B (small) member 8; plus strand). Cytogenetic location: 12q24.23.
Variant type: single nucleotide variant.
Coding change: c.65G>A on transcript NM_014365.3 (MANE Select); coding-DNA position 65, G replaced by A.
Protein change: p.Arg22Gln; replaces arginine 22 with glutamine.
Molecular consequence: missense variant.
Genome position (GRCh38, 1-based): chr12:119,179,377, G>A. VCF-style: chr12-119179377-G-A. GRCh37 (hg19) VCF-style: chr12-119617182-G-A.
Other names: short protein forms R22Q.
Identifiers: ClinVar variation 581856 (VCV000581856.8), dbSNP rs747381453, ClinGen allele CA6819490.